The following is an entry in ClinVar:

NM_001375380.1(EBF3):c.1707C>G (p.Pro569=)

Gene: EBF3 (EBF transcription factor 3; minus strand). Cytogenetic location: 10q26.3.
Variant type: single nucleotide variant.
Coding change: c.1707C>G on transcript NM_001375380.1 (MANE Select); coding-DNA position 1707, C replaced by G.
Protein change: p.Pro569=; no amino-acid change (proline 569 retained).
Molecular consequence: synonymous variant.
Genome position (GRCh38, 1-based): chr10:129,840,297, G>C on the plus strand (C>G on the coding strand, the complement: EBF3 is on the minus strand). VCF-style: chr10-129840297-G-C. GRCh37 (hg19) VCF-style: chr10-131638561-G-C.
Other names: c.1572C>G, p.Pro524= (NM_001005463.3, NM_001375390.1); c.1707C>G, p.Pro569= (NM_001375379.1); c.1599C>G, p.Pro533= (NM_001375389.1, NM_001375391.1); c.1491C>G, p.Pro497= (NM_001375392.1).
Identifiers: ClinVar variation 5040574 (VCV005040574.1).

ClinVar aggregate classification (germline): Likely benign (1 of 4 stars; one submission).

Submission:

CeGaT Center for Human Genetics Tuebingen
Classification: Likely benign. Last evaluated: 2026-08-01. Review status: criteria provided, single submitter. Criteria: CeGaT Center For Human Genetics Tuebingen Variant Classification Criteria Version 2. Collection method: clinical testing. Allele origin: germline. Affected: yes. Observed: 1 variant allele.
Comment: EBF3: PM2:Supporting, BP4, BP7